The following is an entry in ClinVar:

NM_003661.4(APOL1):c.577G>A (p.Gly193Ser)

Gene: APOL1 (apolipoprotein L1; plus strand). Cytogenetic location: 22q12.3.
Variant type: single nucleotide variant.
Coding change: c.577G>A on transcript NM_003661.4 (MANE Select); coding-DNA position 577, G replaced by A.
Protein change: p.Gly193Ser; replaces glycine 193 with serine.
Molecular consequence: missense variant.
Genome position (GRCh38, 1-based): chr22:36,265,413, G>A. VCF-style: chr22-36265413-G-A. GRCh37 (hg19) VCF-style: chr22-36661459-G-A.
Other names: c.577G>A, p.Gly193Ser (NM_001136540.2); c.523G>A, p.Gly175Ser (NM_001136541.2, NM_001362927.2); c.625G>A, p.Gly209Ser (NM_145343.3); short protein forms G193S, G209S, G175S.
Identifiers: ClinVar variation 2051130 (VCV002051130.3), dbSNP rs183714534, ClinGen allele CA10208711.

ClinVar aggregate classification (germline): Uncertain significance (1 of 4 stars; one submission).

Allele frequency attached by ClinVar (database versions not stated): ESP Exome Variant Server 0.00008; gnomAD 0.00017; ExAC 0.00020; gnomAD exomes 0.00024.

Submission:

Labcorp Genetics (formerly Invitae), Labcorp
Classification: Uncertain significance. Last evaluated: 2025-05-23. Review status: criteria provided, single submitter. Criteria: Invitae Variant Classification Sherloc (09022015). Collection method: clinical testing. Allele origin: germline.
Comment: This sequence change replaces glycine, which is neutral and non-polar, with serine, which is neutral and polar, at codon 193 of the APOL1 protein (p.Gly193Ser). This variant is present in population databases (rs183714534, gnomAD 0.04%). This variant has not been reported in the literature in individuals affected with APOL1-related conditions. ClinVar contains an entry for this variant (Variation ID: 2051130). An algorithm developed to predict the effect of missense changes on protein structure and function outputs the following: PolyPhen-2: "Possibly Damaging". The serine amino acid residue is found in multiple mammalian species, which suggests that this missense change does not adversely affect protein function. In summary, the available evidence is currently insufficient to determine the role of this variant in disease. Therefore, it has been classified as a Variant of Uncertain Significance.